The following is an entry in ClinVar:

NM_004481.5(GALNT2):c.1010-4T>C

Gene: GALNT2 (polypeptide N-acetylgalactosaminyltransferase 2; plus strand). Cytogenetic location: 1q42.13.
Variant type: single nucleotide variant.
Coding change: c.1010-4T>C on transcript NM_004481.5 (MANE Select); 4 bases into the intron before coding-DNA position 1010, T replaced by C.
Molecular consequence: intron variant.
Genome position (GRCh38, 1-based): chr1:230,255,214, T>C. VCF-style: chr1-230255214-T-C. GRCh37 (hg19) VCF-style: chr1-230390960-T-C.
Other names: c.896-4T>C (NM_001291866.2); c.1010-4T>C (NM_004481.3).
Identifiers: ClinVar variation 725267 (VCV000725267.8), dbSNP rs370362368, ClinGen allele CA1446381.

ClinVar aggregate classification (germline): Conflicting classifications of pathogenicity. Review status: criteria provided, conflicting classifications (1 of 4 stars). 2 submissions from 2 submitters: Uncertain significance (1); Likely benign (1). Last evaluated 2024-11-19.

Conditions:
Inborn genetic diseases. Identifiers: MedGen C0950123, MeSH D030342.

Allele frequency attached by ClinVar (database versions not stated): gnomAD exomes 0.00002 and 0.00004; ESP Exome Variant Server 0.00008; gnomAD 0.00024 and 0.00023; ExAC 0.00007; TOPMed 0.00020.
gnomAD v4.1: 61 of 1,614,094 alleles (0.0038%); highest among the groups gnomAD compares: African/African-American, 0.08%; no homozygotes.

Submissions (2):

Labcorp Genetics (formerly Invitae), Labcorp
Classification: Likely benign. Last evaluated: 2024-11-19. Review status: criteria provided, single submitter. Criteria: Invitae Variant Classification Sherloc (09022015). Collection method: clinical testing. Allele origin: germline.

Ambry Genetics
Classification: Uncertain significance for Inborn genetic diseases. Last evaluated: 2022-03-07. Review status: criteria provided, single submitter. Criteria: Ambry Variant Classification Scheme 2023. Collection method: clinical testing. Allele origin: germline.
Comment: The c.1010-4T>C intronic alteration consists of a T to C substitution 4 nucleotides before coding exon 11 in the GALNT2 gene. Based on insufficient or conflicting evidence, the clinical significance of this alteration remains unclear.